The following is an entry in ClinVar:

ClinVar aggregate classification (germline): Uncertain significance (1 of 4 stars; one submission).

Conditions:
Cardiovascular phenotype. Identifiers: MedGen CN230736.
Hereditary cancer-predisposing syndrome. Also called: Tumor predisposition; Neoplastic Syndromes, Hereditary; Hereditary neoplastic syndrome; Hereditary Cancer Syndrome. Identifiers: Orphanet 140162, MedGen C0027672, MeSH D009386, MONDO:0015356.

Submission:

Ambry Genetics
Classification: Uncertain significance for Cardiovascular phenotype; Hereditary cancer-predisposing syndrome. Last evaluated: 2025-09-08. Review status: criteria provided, single submitter. Criteria: Ambry Variant Classification Scheme 2023. Collection method: clinical testing. Allele origin: germline.
Comment: The p.G675R variant (also known as c.2023G>C), located in coding exon 17 of the LZTR1 gene, results from a G to C substitution at nucleotide position 2023. The glycine at codon 675 is replaced by arginine, an amino acid with dissimilar properties. This amino acid position is highly conserved in available vertebrate species. In addition, this alteration is predicted to be deleterious by in silico analysis. Based on the available evidence, the clinical significance of this variant remains unclear.

NM_006767.4(LZTR1):c.2023G>C (p.Gly675Arg)

Gene: LZTR1 (leucine zipper like post translational regulator 1; plus strand). Cytogenetic location: 22q11.21.
Variant type: single nucleotide variant.
Coding change: c.2023G>C on transcript NM_006767.4 (MANE Select); coding-DNA position 2023, G replaced by C.
Protein change: p.Gly675Arg; replaces glycine 675 with arginine.
Molecular consequence: missense variant.
Genome position (GRCh38, 1-based): chr22:20,995,826, G>C. VCF-style: chr22-20995826-G-C. GRCh37 (hg19) VCF-style: chr22-21350115-G-C.
Other names: short protein forms G675R.
Identifiers: ClinVar variation 4101935 (VCV004101935.1).